The following is an entry in ClinVar:

NM_145239.3(PRRT2):c.621dup (p.Ser208fs)

Genes: MVP-DT (MVP divergent transcript; minus strand), PRRT2 (proline rich transmembrane protein 2; plus strand). Cytogenetic location: 16p11.2.
Variant type: Duplication.
Coding change: c.621dup on transcript NM_145239.3 (MANE Select); coding-DNA position 621, one base duplicated (A; older notation c.621dupA).
Protein change: p.Ser208fs; shifts the reading frame from serine 208.
Molecular consequence: frameshift variant.
Genome position (GRCh38, 1-based): chr16:29,813,675, A duplicated; the last of 7 consecutive A bases (chr16:29,813,669-29,813,675); duplicating any one gives the same sequence. VCF-style (leftmost placement, unchanged base first): chr16-29813668-C-CA. GRCh37 (hg19) VCF-style: chr16-29824989-C-CA.
Other names: c.621dup, p.Ser208fs (NM_001256442.2, NM_001256443.2); short protein forms S208fs.
Identifiers: ClinVar variation 1323500 (VCV001323500.5), dbSNP rs768603598, ClinGen allele CA7994554.

ClinVar aggregate classification (germline): Pathogenic/Likely pathogenic. Review status: criteria provided, multiple submitters, no conflicts (2 of 4 stars). 2 submissions from 2 submitters: Pathogenic (1); Likely pathogenic (1). Last evaluated 2026-08-06.

Conditions:
Seizures, benign familial infantile, 2 (BFIS2). Also called: CONVULSIONS, BENIGN FAMILIAL INFANTILE, 2. Identifiers: Orphanet 306, MedGen C1853995, MONDO:0011593, OMIM 605751.

Submissions (2):

OLLIN Analises Genomicas, OLLIN
Classification: Likely pathogenic for Seizures, benign familial infantile, 2. Last evaluated: 2026-08-06. Review status: criteria provided, single submitter. Criteria: ACMG Guidelines 2015 PMID 25741868. Collection method: clinical testing. Allele origin: germline. Inheritance: Autosomal dominant inheritance.
Comment: This frameshift variant, located in exon 2 (of 4), has been reported in ClinVar (accession VCV000425104.42) and in gnomAD with an allele frequency of 0.00019%. However, to our knowledge, it has not been reported in the scientific literature. This variant causes a frameshift and introduces a premature stop codon, which is predicted to result in either a truncated protein or degradation of the mRNA via nonsense-mediated decay (NMD). According to the currently available evidence, this variant has been classified as likely pathogenic (PVS1, PM2_P).

Revvity Omics, Revvity
Classification: Pathogenic. Last evaluated: 2020-03-03. Review status: criteria provided, single submitter. Criteria: ACMG Guidelines, 2015. Collection method: clinical testing. Allele origin: germline.